The following is an entry in ClinVar:

NM_001128178.3(NPHP1):c.368G>A (p.Ser123Asn)

Gene: NPHP1 (nephrocystin 1; minus strand). Cytogenetic location: 2q13.
Variant type: single nucleotide variant.
Coding change: c.368G>A on transcript NM_001128178.3 (MANE Select); coding-DNA position 368, G replaced by A.
Protein change: p.Ser123Asn; replaces serine 123 with asparagine.
Molecular consequence: missense variant.
Genome position (GRCh38, 1-based): chr2:110,169,960, C>T on the plus strand (G>A on the coding strand, the complement: NPHP1 is on the minus strand). VCF-style: chr2-110169960-C-T. GRCh37 (hg19) VCF-style: chr2-110927537-C-T.
Other names: c.368G>A, p.Ser123Asn (NM_000272.5, NM_001374256.1, NM_001374257.1 and 1 more transcripts); c.182G>A, p.Ser61Asn (NM_001128179.3); short protein forms S123N, S61N.
Identifiers: ClinVar variation 845883 (VCV000845883.8), dbSNP rs781291281, ClinGen allele CA1827406.

ClinVar aggregate classification (germline): Uncertain significance. Review status: criteria provided, multiple submitters, no conflicts (2 of 4 stars). 4 submissions from 4 submitters: Uncertain significance (4). Last evaluated 2025-03-11.

Conditions:
NPHP1-related disorder. Also called: NPHP1-related condition; NPHP1-related disorders.
Senior-Loken syndrome 1 (SLSN1). Also called: JUVENILE NEPHRONOPHTHISIS WITH LEBER AMAUROSIS. Identifiers: Orphanet 3156, MedGen C4551559, MONDO:0009962, OMIM 266900.
Nephronophthisis 1 (NPHP1). Also called: Nephronophthisis familial juvenile. Identifiers: Orphanet 655, Orphanet 93592, MedGen C1855681, MONDO:0009728, OMIM 256100.
Joubert syndrome with renal defect. Also called: JOUBERT SYNDROME 4. Identifiers: Orphanet 220497, MedGen C1846790, MONDO:0012308, OMIM 609583.
Nephronophthisis. Also called: Juvenile Nephronophthisis. Identifiers: Orphanet 655, MedGen C0687120, MONDO:0019005, HP:0000090.

Allele frequency attached by ClinVar (database versions not stated): gnomAD 0.00001; gnomAD exomes 0.00001 and 0.00002; TOPMed 0.00001; ExAC 0.00002.
gnomAD v4.1: 20 of 1,610,016 alleles (0.0012%); highest among the groups gnomAD compares: Non-Finnish European, 0.0013%; no homozygotes.

Submissions (4):

PreventionGenetics, part of Exact Sciences
Classification: Uncertain significance for NPHP1-related condition. Last evaluated: 2025-03-11. Review status: criteria provided, single submitter. Criteria: ACMG Guidelines, 2015. Collection method: clinical testing. Allele origin: germline.
Comment: The NPHP1 c.368G>A variant is predicted to result in the amino acid substitution p.Ser123Asn. To our knowledge, this variant has not been reported in the literature. This variant is reported in 0.0027% of alleles in individuals of European (Non-Finnish) descent in gnomAD. At this time, the clinical significance of this variant is uncertain due to the absence of conclusive functional and genetic evidence.

Blueprint Genetics
Classification: Uncertain significance. Last evaluated: 2024-10-09. Review status: criteria provided, single submitter. Criteria: ACMG Guidelines, 2015. Collection method: clinical testing. Allele origin: germline.

Labcorp Genetics (formerly Invitae), Labcorp
Classification: Uncertain significance for Nephronophthisis. Last evaluated: 2022-07-05. Review status: criteria provided, single submitter. Criteria: Invitae Variant Classification Sherloc (09022015). Collection method: clinical testing. Allele origin: germline.
Comment: This sequence change replaces serine, which is neutral and polar, with asparagine, which is neutral and polar, at codon 123 of the NPHP1 protein (p.Ser123Asn). This variant is present in population databases (rs781291281, gnomAD 0.003%). This variant has not been reported in the literature in individuals affected with NPHP1-related conditions. ClinVar contains an entry for this variant (Variation ID: 845883). Algorithms developed to predict the effect of missense changes on protein structure and function (SIFT, PolyPhen-2, Align-GVGD) all suggest that this variant is likely to be tolerated. In summary, the available evidence is currently insufficient to determine the role of this variant in disease. Therefore, it has been classified as a Variant of Uncertain Significance.

Fulgent Genetics
Classification: Uncertain significance for Nephronophthisis 1; Senior-Loken syndrome 1; Joubert syndrome with renal defect. Last evaluated: 2022-04-14. Review status: criteria provided, single submitter. Criteria: ACMG Guidelines, 2015. Collection method: clinical testing. Allele origin: unknown.